The following is an entry in ClinVar:

NM_006269.2(RP1):c.6152C>T (p.Thr2051Ile)

Gene: RP1 (RP1 axonemal microtubule associated; plus strand). Cytogenetic location: 8q12.1.
Variant type: single nucleotide variant.
Coding change: c.6152C>T on transcript NM_006269.2 (MANE Select); coding-DNA position 6152, C replaced by T.
Protein change: p.Thr2051Ile; replaces threonine 2051 with isoleucine.
Molecular consequence: missense variant. On other transcripts: intron variant (1).
Genome position (GRCh38, 1-based): chr8:54,630,034, C>T. VCF-style: chr8-54630034-C-T. GRCh37 (hg19) VCF-style: chr8-55542594-C-T.
Other names: c.787+7746C>T (NM_001375654.1); short protein forms T2051I.
Identifiers: ClinVar variation 4734205 (VCV004734205.1).
Genomic context (GRCh38, chr8:54,630,034, plus strand): 5'-GGTTTTGTATGAATTTCTTGCACACATCATTGTTAGTTGTGGGTAATGTGGATTCAAATA[C>T]ACAAGACCTCAGCGGTCAGACAAATGAAATCTTTAAAGCAGTCGATGAGAATAACAACTT-3'
Protein context (NP_006260.1, residues 2041-2061): LLVVGNVDSN[Thr2051Ile]QDLSGQTNEI

ClinVar aggregate classification (germline): Uncertain significance (1 of 4 stars; one submission).

Submission:

Labcorp Genetics (formerly Invitae), Labcorp
Classification: Uncertain significance. Last evaluated: 2026-01-01. Review status: criteria provided, single submitter. Criteria: Invitae Variant Classification Sherloc (09022015). Collection method: clinical testing. Allele origin: germline.
Comment: This sequence change replaces threonine, which is neutral and polar, with isoleucine, which is neutral and non-polar, at codon 2051 of the RP1 protein (p.Thr2051Ile). This variant is not present in population databases (gnomAD no frequency). This variant has not been reported in the literature in individuals affected with RP1-related conditions. An algorithm developed to predict the effect of missense changes on protein structure and function outputs the following: PolyPhen-2: "Benign". The isoleucine amino acid residue is found in multiple mammalian species, which suggests that this missense change does not adversely affect protein function. In summary, the available evidence is currently insufficient to determine the role of this variant in disease. Therefore, it has been classified as a Variant of Uncertain Significance.